The following is an entry in ClinVar:

NM_000051.4(ATM):c.6105A>G (p.Thr2035=)

Genes: ATM (ATM serine/threonine kinase; plus strand), C11orf65 (chromosome 11 open reading frame 65; minus strand). Cytogenetic location: 11q22.3.
Variant type: single nucleotide variant.
Coding change: c.6105A>G on transcript NM_000051.4 (MANE Select); coding-DNA position 6105, A replaced by G.
Protein change: p.Thr2035=; no amino-acid change (threonine 2035 retained).
Molecular consequence: synonymous variant. On other transcripts: intron variant (2).
Genome position (GRCh38, 1-based): chr11:108,316,020, A>G. VCF-style: chr11-108316020-A-G. GRCh37 (hg19) VCF-style: chr11-108186747-A-G.
Other names: c.6105A>G, p.Thr2035= (NM_001351834.2); c.641-6949T>C (NM_001330368.2); c.*39-6949T>C (NM_001351110.2).
Identifiers: ClinVar variation 524300 (VCV000524300.16), dbSNP rs1555113708, ClinGen allele CA476675633.

ClinVar aggregate classification (germline): Benign/Likely benign. Review status: criteria provided, multiple submitters, no conflicts (2 of 4 stars). 4 submissions from 4 submitters: Benign (1); Likely benign (3). Last evaluated 2025-05-28.

Conditions:
Hereditary cancer-predisposing syndrome. Also called: Hereditary Cancer Syndrome; Neoplastic Syndromes, Hereditary; Tumor predisposition; Hereditary neoplastic syndrome. Identifiers: Orphanet 140162, MedGen C0027672, MeSH D009386, MONDO:0015356.
Familial cancer of breast. Also called: BREAST CANCER, FAMILIAL; Hereditary breast cancer; hereditary breast carcinoma. Identifiers: Orphanet 227535, MedGen C0346153, MONDO:0016419, OMIM 114480. Disease mechanism: loss of function.
Ataxia-telangiectasia syndrome (AT). Also called: Cerebello-oculocutaneous telangiectasia; Immunodeficiency with ataxia telangiectasia; Ataxia-telangiectasia, complementation group E; Ataxia-telangiectasia, complementation group D; AT, COMPLEMENTATION GROUP C; ATAXIA-TELANGIECTASIA, COMPLEMENTATION GROUP A. Identifiers: Orphanet 100, MedGen C0004135, MONDO:0008840, OMIM 208900.

Allele frequency attached by ClinVar (database versions not stated): gnomAD exomes below 0.00001; TOPMed below 0.00001; gnomAD 0.00001.
gnomAD v4.1: 2 of 1,614,070 alleles (0.00012%); highest among the groups gnomAD compares: East Asian, 0.0022%; no homozygotes.

Submissions (4):

Labcorp Genetics (formerly Invitae), Labcorp
Classification: Likely benign for Ataxia-telangiectasia syndrome. Last evaluated: 2025-05-28. Review status: criteria provided, single submitter. Criteria: Invitae Variant Classification Sherloc (09022015). Collection method: clinical testing. Allele origin: germline.

Myriad Genetics, Inc.
Classification: Benign for Familial cancer of breast. Last evaluated: 2024-06-03. Review status: criteria provided, single submitter. Criteria: Myriad Autosomal Dominant, Autosomal Recessive and X-Linked Classification Criteria (2023). Collection method: clinical testing. Allele origin: unknown.
Comment: This variant is considered benign. This variant is a silent/synonymous amino acid change and it is not expected to impact splicing.

Color Diagnostics, LLC DBA Color Health
Classification: Likely benign for Hereditary cancer-predisposing syndrome. Last evaluated: 2019-07-02. Review status: criteria provided, single submitter. Criteria: ACMG Guidelines, 2015. Collection method: clinical testing. Allele origin: germline.

Ambry Genetics
Classification: Likely benign for Hereditary cancer-predisposing syndrome. Last evaluated: 2019-06-06. Review status: criteria provided, single submitter. Criteria: Ambry Variant Classification Scheme 2023. Collection method: clinical testing. Allele origin: germline.